The following is an entry in ClinVar:

NM_001852.4(COL9A2):c.1330C>T (p.Pro444Ser)

Gene: COL9A2 (collagen type IX alpha 2 chain; minus strand). Cytogenetic location: 1p34.2.
Variant type: single nucleotide variant.
Coding change: c.1330C>T on transcript NM_001852.4 (MANE Select); coding-DNA position 1330, C replaced by T.
Protein change: p.Pro444Ser; replaces proline 444 with serine.
Molecular consequence: missense variant.
Genome position (GRCh38, 1-based): chr1:40,303,966, G>A on the plus strand (C>T on the coding strand, the complement: COL9A2 is on the minus strand). VCF-style: chr1-40303966-G-A. GRCh37 (hg19) VCF-style: chr1-40769638-G-A.
Other names: short protein forms P444S.
Identifiers: ClinVar variation 3343598 (VCV003343598.1).

ClinVar aggregate classification (germline): Uncertain significance (1 of 4 stars; one submission).

gnomAD v4.1: 2 of 1,565,174 alleles (0.00013%); highest among the groups gnomAD compares: Non-Finnish European, 0.00017%; no homozygotes.

Submission:

GeneDx
Classification: Uncertain significance. Last evaluated: 2023-05-16. Review status: criteria provided, single submitter. Criteria: GeneDx Variant Classification Process June 2021. Collection method: clinical testing. Allele origin: germline. Affected: yes.
Comment: Has not been previously published as pathogenic or benign to our knowledge; Not observed at significant frequency in large population cohorts (gnomAD); In silico analysis supports that this missense variant does not alter protein structure/function